The following is an entry in ClinVar:

ClinVar aggregate classification (germline): Likely benign. Review status: criteria provided, multiple submitters, no conflicts (2 of 4 stars). 3 submissions from 3 submitters: Likely benign (3). Last evaluated 2025-02-05.

Conditions:
Familial hypobetalipoproteinemia 1. Also called: APOB-Related Familial Hypobetalipoproteinemia; Hypobetalipoproteinemia, normotriglyceridemic; Acanthocytosis with hypobetalipoproteinemia. Identifiers: MedGen C4551990, MONDO:0014252, OMIM 615558.
Hypercholesterolemia, autosomal dominant, type B (FHCL2). Also called: Hyperlipoproteinemia Type IIb; Familial hypercholesterolemia 2; Familial Hypercholesterolemia Type B; APOLIPOPROTEIN B-100, FAMILIAL DEFECTIVE; APOLIPOPROTEIN B-100, FAMILIAL LIGAND-DEFECTIVE; HYPERCHOLESTEROLEMIA, FAMILIAL, DUE TO LIGAND-DEFECTIVE APOLIPOPROTEIN B. Identifiers: MedGen C1704417, MONDO:0007751, OMIM 144010.
Familial hypercholesterolemia. Also called: Familial hypercholesterolemias; Familial hypercholesterolaemia. Identifiers: MedGen C0020445, MONDO:0005439.
Cardiovascular phenotype. Identifiers: MedGen CN230736.

Allele frequency attached by ClinVar (database versions not stated): gnomAD exomes below 0.00001; TOPMed below 0.00001.
gnomAD v4.1: 4 of 1,614,238 alleles (0.00025%); highest among the groups gnomAD compares: Non-Finnish European, 0.00034%; no homozygotes.

Submissions (3):

GENinCode PLC
Classification: Likely benign for Familial hypercholesterolemia. Last evaluated: 2025-02-05. Review status: criteria provided, single submitter. Criteria: ACMG Guidelines, 2015. Collection method: clinical testing. Allele origin: germline.
Comment: This is a synonymous (silent) variant that is not predicted to impact splicing and occurs at a nucleotide which is not highly conserved. This variant has been classified as Likely Benign (BP4, BP7).

Labcorp Genetics (formerly Invitae), Labcorp
Classification: Likely benign for Familial hypobetalipoproteinemia 1; Hypercholesterolemia, autosomal dominant, type B. Last evaluated: 2023-03-03. Review status: criteria provided, single submitter. Criteria: Invitae Variant Classification Sherloc (09022015). Collection method: clinical testing. Allele origin: germline.

Ambry Genetics
Classification: Likely benign for Cardiovascular phenotype. Last evaluated: 2020-08-05. Review status: criteria provided, single submitter. Criteria: Ambry Variant Classification Scheme 2023. Collection method: clinical testing. Allele origin: germline.

NM_000384.3(APOB):c.5784T>C (p.Tyr1928=)

Gene: APOB (apolipoprotein B; minus strand). Cytogenetic location: 2p24.1.
Variant type: single nucleotide variant.
Coding change: c.5784T>C on transcript NM_000384.3 (MANE Select); coding-DNA position 5784, T replaced by C.
Protein change: p.Tyr1928=; no amino-acid change (tyrosine 1928 retained).
Molecular consequence: synonymous variant.
Genome position (GRCh38, 1-based): chr2:21,011,084, A>G on the plus strand (T>C on the coding strand, the complement: APOB is on the minus strand). VCF-style: chr2-21011084-A-G. GRCh37 (hg19) VCF-style: chr2-21233956-A-G.
Identifiers: ClinVar variation 1749620 (VCV001749620.6), dbSNP rs1663304951, ClinGen allele CA425346017.
Genomic context (GRCh38, chr2:21,011,084, plus strand): 5'-GCCTTTGTAATCATGAGAGAAAGTAAATGCCAGAGGTTCTGCTTTCAACAGGAATTTGCT[A>G]TACAGCTGCCCAGTATGTTCTCCCCAGAGAGCGAGTTTCCCATTGCCATTTGTATGTGCA-3'
Protein context (NP_000375.3, residues 1918-1938): ALWGEHTGQL[Tyr1928=]SKFLLKAEPL